The following is an entry in ClinVar:

NM_005591.4(MRE11):c.1501-10T>A

Gene: MRE11 (MRE11 homolog, double strand break repair nuclease; minus strand). Cytogenetic location: 11q21.
Variant type: single nucleotide variant.
Coding change: c.1501-10T>A on transcript NM_005591.4 (MANE Select); 10 bases into the intron before coding-DNA position 1501, T replaced by A.
Molecular consequence: intron variant.
Genome position (GRCh38, 1-based): chr11:94,456,348, A>T on the plus strand (T>A on the coding strand, the complement: MRE11 is on the minus strand). VCF-style: chr11-94456348-A-T. GRCh37 (hg19) VCF-style: chr11-94189514-A-T.
Other names: c.1501-10T>A (NM_001330347.2, NM_005590.4).
Identifiers: ClinVar variation 1052613 (VCV001052613.6), dbSNP rs2134970824, ClinGen allele CA2499221366.

ClinVar aggregate classification (germline): Uncertain significance (1 of 4 stars; one submission).

Conditions:
Ataxia-telangiectasia-like disorder (ATLD). Identifiers: MedGen C1858391, MONDO:0011457.

Submission:

Labcorp Genetics (formerly Invitae), Labcorp
Classification: Uncertain significance for Ataxia-telangiectasia-like disorder. Last evaluated: 2021-08-31. Review status: criteria provided, single submitter. Criteria: Invitae Variant Classification Sherloc (09022015). Collection method: clinical testing. Allele origin: germline.
Comment: This sequence change falls in intron 13 of the MRE11 gene. It does not directly change the encoded amino acid sequence of the MRE11 protein. This variant is not present in population databases (ExAC no frequency). This variant has not been reported in the literature in individuals affected with MRE11-related conditions. Algorithms developed to predict the effect of sequence changes on RNA splicing suggest that this variant may disrupt the consensus splice site. In summary, the available evidence is currently insufficient to determine the role of this variant in disease. Therefore, it has been classified as a Variant of Uncertain Significance.